The following is an entry in ClinVar:

ClinVar aggregate classification (germline): Likely benign (1 of 4 stars; one submission).

Conditions:
SEMA3G-related disorder. Also called: SEMA3G-related condition.

Submission:

PreventionGenetics, part of Exact Sciences
Classification: Likely benign for SEMA3G-related condition. Last evaluated: 2026-05-18. Review status: criteria provided, single submitter. Criteria: ACMG Guidelines, 2015. Collection method: clinical testing. Allele origin: germline.
Comment: This variant is classified as likely benign based on ACMG/AMP sequence variant interpretation guidelines (Richards et al. 2015 PMID: 25741868, with internal and published modifications).

NM_020163.3(SEMA3G):c.12G>A (p.Ser4=)

Gene: SEMA3G (semaphorin 3G; minus strand). Cytogenetic location: 3p21.1.
Variant type: single nucleotide variant.
Coding change: c.12G>A on transcript NM_020163.3 (MANE Select); coding-DNA position 12, G replaced by A.
Protein change: p.Ser4=; no amino-acid change (serine 4 retained).
Molecular consequence: synonymous variant.
Genome position (GRCh38, 1-based): chr3:52,445,016, C>T on the plus strand (G>A on the coding strand, the complement: SEMA3G is on the minus strand). VCF-style: chr3-52445016-C-T. GRCh37 (hg19) VCF-style: chr3-52479032-C-T.
Identifiers: ClinVar variation 4987800 (VCV004987800.1).
Genomic context (GRCh38, chr3:52,445,016, plus strand): 5'-GGGGCCAGAGCTACCCCCATGGAGCAGGAGGCCCCCTAGCAGCCAGCAAATGGCCCAGGC[C>T]GAGGGGGCCATGCTGGGGAACTGAGGGCACCGCTGCCGCCTGCCTGCAGAGCCGCCCTCT-3'
Protein context (NP_064548.1, residues 1-14): MAP[Ser4=]AWAICWLLGG